The following is an entry in ClinVar:

ClinVar aggregate classification (germline): Uncertain significance. Review status: criteria provided, multiple submitters, no conflicts (2 of 4 stars). 5 submissions from 4 submitters: Uncertain significance (5). Last evaluated 2025-01-29.

Conditions:
Pseudohypoaldosteronism, type IB1, autosomal recessive. Also called: Autosomal recessive pseudohypoaldosteronism type 1; PHA I, AUTOSOMAL RECESSIVE; Pseudohypoaldosteronism, Type I, Autosomal Recessive; Pseudohypoaldosteronism, Type I, Recessive. Identifiers: Orphanet 171876, Orphanet 756, MedGen C5774176, MONDO:0009917, OMIM 264350.
Liddle syndrome 2. Identifiers: MedGen C4748251, MONDO:0020854, OMIM 618114.
Inborn genetic diseases. Identifiers: MedGen C0950123, MeSH D030342.

Allele frequency attached by ClinVar (database versions not stated): gnomAD exomes below 0.00001 and 0.00003; ExAC 0.00001; gnomAD 0.00001; TOPMed 0.00001.
gnomAD v4.1: 38 of 1,614,114 alleles (0.0024%); highest among the groups gnomAD compares: Non-Finnish European, 0.0031%; no homozygotes.

Submissions (5):

Labcorp Genetics (formerly Invitae), Labcorp
Classification: Uncertain significance. Last evaluated: 2025-01-29. Review status: criteria provided, single submitter. Criteria: Invitae Variant Classification Sherloc (09022015). Collection method: clinical testing. Allele origin: germline.
Comment: This sequence change replaces glycine, which is neutral and non-polar, with alanine, which is neutral and non-polar, at codon 149 of the SCNN1G protein (p.Gly149Ala). This variant is present in population databases (rs754747376, gnomAD 0.0009%). This variant has not been reported in the literature in individuals affected with SCNN1G-related conditions. ClinVar contains an entry for this variant (Variation ID: 318348). An algorithm developed to predict the effect of missense changes on protein structure and function (PolyPhen-2) suggests that this variant is likely to be tolerated. In summary, the available evidence is currently insufficient to determine the role of this variant in disease. Therefore, it has been classified as a Variant of Uncertain Significance.

Ambry Genetics
Classification: Uncertain significance for Inborn genetic diseases. Last evaluated: 2023-12-28. Review status: criteria provided, single submitter. Criteria: Ambry Variant Classification Scheme 2023. Collection method: clinical testing. Allele origin: germline.

Blueprint Genetics
Classification: Uncertain significance. Last evaluated: 2023-11-22. Review status: criteria provided, single submitter. Criteria: ACMG Guidelines, 2015. Collection method: clinical testing. Allele origin: germline.

Illumina Laboratory Services, Illumina
Classification: Uncertain significance for Pseudohypoaldosteronism, type IB1, autosomal recessive. Last evaluated: 2018-01-13. Review status: criteria provided, single submitter. Criteria: ICSL Variant Classification Criteria 13 December 2019. Collection method: clinical testing. Allele origin: germline.

Illumina Laboratory Services, Illumina
Classification: Uncertain significance for Liddle syndrome 2. Last evaluated: 2018-01-13. Review status: criteria provided, single submitter. Criteria: ICSL Variant Classification Criteria 13 December 2019. Collection method: clinical testing. Allele origin: germline.

NM_001039.4(SCNN1G):c.446G>C (p.Gly149Ala)

Gene: SCNN1G (sodium channel epithelial 1 subunit gamma; plus strand). Cytogenetic location: 16p12.2.
Variant type: single nucleotide variant.
Coding change: c.446G>C on transcript NM_001039.4 (MANE Select); coding-DNA position 446, G replaced by C.
Protein change: p.Gly149Ala; replaces glycine 149 with alanine.
Molecular consequence: missense variant.
Genome position (GRCh38, 1-based): chr16:23,189,499, G>C. VCF-style: chr16-23189499-G-C. GRCh37 (hg19) VCF-style: chr16-23200820-G-C.
Other names: short protein forms G149A.
Identifiers: ClinVar variation 318348 (VCV000318348.9), dbSNP rs754747376, ClinGen allele CA7959577.
Genomic context (GRCh38, chr16:23,189,499, plus strand): 5'-ATGGCTTTCCAGAGTCCCGGAAGCGCCGAGAGGCGGAGTCCTGGAACTCCGTCTCAGAGG[G>C]AAAGCAGCCTAGATTCTCCCACCGGATTCCGCTGCTGATCTTTGATCAGGATGAGAAGGG-3'
Protein context (NP_001030.2, residues 139-159): EAESWNSVSE[Gly149Ala]KQPRFSHRIP